The following continues an entry in ClinVar:

NM_000350.3(ABCA4):c.1622T>C (p.Leu541Pro)

Gene: ABCA4. ClinVar aggregate classification (germline): Conflicting classifications of pathogenicity. Pathogenic (25); Likely pathogenic (1); Uncertain significance (1).

Submissions 10 to 29 of 37:

CeGaT Center for Human Genetics Tuebingen
Classification: Pathogenic. Last evaluated: 2024-03-01. Review status: criteria provided, single submitter. Criteria: CeGaT Center For Human Genetics Tuebingen Variant Classification Criteria Version 2. Collection method: clinical testing. Allele origin: germline. Affected: yes. Observed: 22 variant alleles.
Comment: ABCA4: PM3:Very Strong, PM1, PM2, PP3, PS3:Supporting

North West Genomic Laboratory Hub, Manchester University NHS Foundation Trust
Classification: Pathogenic for Severe early-childhood-onset retinal dystrophy. Last evaluated: 2023-12-11. Review status: criteria provided, single submitter. Criteria: ACGS Best Practice Guidelines for Variant Classification in Rare Disease 2020. Collection method: clinical testing. Allele origin: germline. Affected: yes.
Comment: PM2_Mod PM3_Str PP3_Mod PS3_Str

Revvity Omics, Revvity
Classification: Pathogenic. Last evaluated: 2023-09-22. Review status: criteria provided, single submitter. Criteria: ACMG Guidelines, 2015. Collection method: clinical testing. Allele origin: germline.

Institute of Human Genetics, University of Leipzig Medical Center
Classification: Pathogenic for Severe early-childhood-onset retinal dystrophy. Last evaluated: 2023-01-31. Review status: criteria provided, single submitter. Criteria: ACMG Guidelines, 2015. Collection method: clinical testing. Allele origin: unknown. Affected: yes.
Comment: This variant was identified together with NM_000350.3:c.3113C>T, NM_000350.3:c.2588G>C, NM_000350.3:c.5693G>A and NM_000350.3:c.1411G>A. Criteria applied: PM3_VSTR, PS3_MOD, PP3

Institute of Human Genetics, Univ. Regensburg, Univ. Regensburg
Classification: Pathogenic for Retinal dystrophy. Last evaluated: 2023-01-01. Review status: criteria provided, single submitter. Criteria: ACMG Guidelines, 2015. Collection method: clinical testing. Allele origin: germline. Affected: yes.

MGZ Medical Genetics Center
Classification: Pathogenic for Severe early-childhood-onset retinal dystrophy. Last evaluated: 2022-08-11. Review status: criteria provided, single submitter. Criteria: ACMG Guidelines, 2015. Collection method: clinical testing. Allele origin: germline. Affected: yes. Observed: 3 variant alleles.
Comment: ACMG criteria applied: PS3, PM3_STR, PM2_SUP, PP1, PP3

Clinical Genetics Laboratory, Skane University Hospital Lund
Classification: Pathogenic. Last evaluated: 2022-07-13. Review status: criteria provided, single submitter. Criteria: ACMG Guidelines, 2015. Collection method: clinical testing. Allele origin: germline. Affected: yes.

Institute of Human Genetics, University of Leipzig Medical Center
Classification: Likely pathogenic for Macular dystrophy. Last evaluated: 2021-11-22. Review status: criteria provided, single submitter. Criteria: ACMG Guidelines, 2015. Collection method: clinical testing. Allele origin: unknown. Affected: yes.
Comment: This variant was identified aspotentially compound heterozygous with NM_000350.3:c.3113C>T and NM_000350.3:c.5882G>A. Criteria applied: PM3_VSTR, PS3_MOD, PP3

Ocular Genomics Institute, Massachusetts Eye and Ear
Classification: Pathogenic for Severe early-childhood-onset retinal dystrophy. Last evaluated: 2021-04-08. Review status: criteria provided, single submitter. Criteria: ACMG Guidelines, 2015. Collection method: research. Allele origin: germline. Affected: yes.
Comment: Through a review of available evidence we were able to apply the following criteria: PS3, PM2, PM3, PP3, PP5. Based on this evidence we have classified this variant as Pathogenic.

Genetics and Molecular Pathology, SA Pathology
Classification: Pathogenic for Retinal dystrophy. Last evaluated: 2021-02-24. Review status: criteria provided, single submitter. Criteria: ACMG Guidelines, 2015. Collection method: clinical testing. Allele origin: germline. Affected: yes.

Institute of Medical Genetics and Applied Genomics, University Hospital Tübingen
Classification: Pathogenic. Last evaluated: 2020-10-23. Review status: criteria provided, single submitter. Criteria: ACMG Guidelines, 2015. Collection method: clinical testing. Allele origin: germline. Inheritance: Unknown mechanism. Affected: yes.

Mendelics
Classification: Pathogenic for Severe early-childhood-onset retinal dystrophy. Last evaluated: 2019-05-28. Review status: criteria provided, single submitter. Criteria: Mendelics Assertion Criteria 2017. Collection method: clinical testing. Allele origin: unknown.

ARUP Laboratories, Molecular Genetics and Genomics, ARUP Laboratories
Classification: Pathogenic. Last evaluated: 2019-03-04. Review status: criteria provided, single submitter. Criteria: ARUP Molecular Germline Variant Investigation Process. Collection method: clinical testing. Allele origin: germline.
Comment: The ABCA4 c.1622T>C; p.Leu541Pro variant (rs61751392), is reported in the literature in numerous individuals affected with Stargardt disease, retinitis pigmentosa, or other related retinopathies (Briggs 2001, Rivera 2000, Rozet 1998, Wiszniewski 2005). This variant is commonly reported in cis to another missense variant, p.Ala1038Val, and the [p.Leu541Pro; p.Ala1038Val] complex variant has been reported in the homozygous and compound heterozygous states in multiple affected individuals (Briggs 2001, Rivera 2000, Wiszniewski 2005). Functional studies suggest that p.Leu541Pro, independent of p.Ala1038Val, causes protein misfolding, mislocalization, and reduced ATP binding and hydrolysis (Sun 2000, Wiszniewski 2005, Zhang 2015). The p.Leu541Pro variant is reported as pathogenic/likely pathogenic by multiple laboratories in ClinVar (Variation ID: 99067) and is found in the general population with an overall allele frequency of 0.02% (46/282812 alleles) in the Genome Aggregation Database. Based on available information, this variant is considered to be pathogenic. References: Briggs CE et al. Mutations in ABCR (ABCA4) in patients with Stargardt macular degeneration or cone-rod degeneration. Invest Ophthalmol Vis Sci. 2001 Sep;42(10):2229-36. Rivera A et al. A comprehensive survey of sequence variation in the ABCA4 (ABCR) gene in Stargardt disease and age-related macular degeneration. Am J Hum Genet. 2000 Oct;67(4):800-13. Rozet JM et al. Spectrum of ABCR gene mutations in autosomal recessive macular dystrophies. Eur J Hum Genet. 1998 May-Jun;6(3):291-5. Sun H et al. Biochemical defects in ABCR protein variants associated with human retinopathies. Nat Genet. 2000 Oct;26(2):242-6. Wiszniewski W et al. ABCA4 mutations causing mislocalization are found frequently in patients with severe retinal dystrophies. Hum Mol Genet. 2005 Oct 1;14(19):2769-78. Zhang N et al. Protein misfolding and the pathogenesis of ABCA4-associated retinal degenerations. Hum Mol Genet. 2015 Jun 1;24(11):3220-37.

Centre of Medical Genetics, University Hospital Muenster
Classification: Pathogenic for Severe early-childhood-onset retinal dystrophy. Last evaluated: 2019-01-08. Review status: criteria provided, single submitter. Criteria: ACMG Guidelines, 2015. Collection method: clinical testing. Allele origin: germline. Affected: yes. Observed: 1 variant allele, 1 compound heterozygote.
Comment: ACMG categories: PS1,PS3,PP2,PP3,PP5

Centre for Mendelian Genomics, University Medical Centre Ljubljana
Classification: Pathogenic for Age related macular degeneration 2. Last evaluated: 2018-11-23. Review status: criteria provided, single submitter. Criteria: ACMG Guidelines, 2015. Collection method: clinical testing. Allele origin: unknown. Affected: yes.
Comment: This variant was classified as: Pathogenic. The following ACMG criteria were applied in classifying this variant: PS1,PS3,PP2,PP3.

Laboratory for Molecular Medicine, Mass General Brigham Personalized Medicine
Classification: Pathogenic for Stargardt disease. Last evaluated: 2018-08-14. Review status: criteria provided, single submitter. Criteria: LMM Criteria. Collection method: clinical testing. Allele origin: germline. Inheritance: Autosomal recessive inheritance. Observed: 1 variant allele.
Comment: The p.Leu541Pro variant in ABCA4 has been reported in the compound heterozygous state in >4 individuals with Stargardt disease or related retinal dystrophy and as a part of the Leu541Pro/Ala1038Val complex allele (in cis with p.Ala1038Val) in >25 compound heterozygous or homozygous individuals with Stargardt disease or related retinal dystrophy (Rozet 1998, Rivera 2000, Webster 2001, Briggs 2001, Gerth 2002, Hargitai 2005, Cideciyan 2009, Braun 2013, Fujinami 2013, Bertelse n 2014, Audere 2015, Fakin 2016, Lee 2016, Carss 2017, Porto 2017, Salles 2017) . The p.Leu541Pro variant segregated with disease in 1 compound heterozygous sib ling (Lee 2016), and the Leu541Pro/Ala1038Val complex allele segregated with dis ease in >12 affected relatives (Rivera 2000, Wiszniewski 2005, Braun 2013, Sall es 2017). The p.Leu541Pro variant has been identified in 0.07% (17/25792) of Fin nish chromosomes by the Genome Aggregation Database (gnomAD; dbSNP rs61751392) and has also been reported in ClinVar (Variatio n ID: 99067). A mouse model of the complex allele resulted in a Stargardt-like p henotype in homozygous mice (Zhang 2015). Additional functional studies demonstr ated that the p.Leu541Pro and p.A1038V alleles each impact functional activity a nd that the Leu541Pro/Ala1038Val complex allele is more severe, resembling a com plete loss of activity (Sun 2000, Wiszniewski 2005, Zhang 2015). In summary, the p.Leu541Pro variant meets criteria to be classified as pathogenic for Stargardt disease in an autosomal recessive manner. ACMG/AMP Criteria applied: PM3_VerySt rong; PS3_Supporting; PP3.

Eurofins Ntd Llc (ga)
Classification: Uncertain significance. Last evaluated: 2016-11-16. Review status: criteria provided, single submitter. Criteria: EGL Classification Definitions 2015. Collection method: clinical testing. Allele origin: germline. Observed: 7 variant alleles, 7 heterozygotes.

Institute of Human Genetics, Univ. Regensburg, Univ. Regensburg
Classification: Pathogenic for Severe early-childhood-onset retinal dystrophy. Last evaluated: 2016-01-01. Review status: criteria provided, single submitter. Criteria: Schulz et al. (Invest Ophthalmol Vis Sci. 2017). Collection method: clinical testing. Allele origin: germline. Affected: yes. Observed: 34 heterozygotes, 1 homozygote.

Clinical Genetics Laboratory, University Hospital Schleswig-Holstein
Classification: Pathogenic for Age related macular degeneration 2; Severe early-childhood-onset retinal dystrophy; Retinitis pigmentosa 19; Cone-rod dystrophy 3. Last evaluated: 2024-07-19. Review status: no assertion criteria provided. Collection method: clinical testing. Allele origin: germline. Affected: yes. Not counted in ClinVar's aggregate classification.

Clinical Genetics Laboratory, University Hospital Schleswig-Holstein
Classification: Pathogenic for Severe early-childhood-onset retinal dystrophy. Last evaluated: 2024-06-07. Review status: no assertion criteria provided. Collection method: clinical testing. Allele origin: germline. Affected: yes. Not counted in ClinVar's aggregate classification.